The following is an entry in ClinVar:

ClinVar aggregate classification (germline): Benign/Likely benign. Review status: criteria provided, multiple submitters, no conflicts (2 of 4 stars). 13 submissions from 13 submitters: Benign (7); Likely benign (3). 3 of the submissions do not count toward it. Last evaluated 2026-09-01.

Conditions:
Zellweger spectrum disorders (ZS). Also called: Zellweger Spectrum Disorder; Zellweger Spectrum; Zellweger syndrome; Zellweger Spectrum Disorder (ZSD). Identifiers: Orphanet 912, MedGen C0043459, MONDO:0019609.
Peroxisome biogenesis disorder 4A (Zellweger) (PBD4A). Also called: Zellweger syndrome spectrum (PEX6-related). Identifiers: Orphanet 912, MedGen C3553936, MONDO:0013930, OMIM 614862. Disease mechanism: loss of function.
Peroxisome biogenesis disorder 4B (PBD4B). Also called: SPINOCEREBELLAR ATAXIA WITH BLINDNESS AND DEAFNESS 1. Identifiers: Orphanet 44, Orphanet 95433, MedGen C3553937, MONDO:0013931, OMIM 614863.
Heimler syndrome 2 (HMLR2). Also called: PEROXISOME BIOGENESIS DISORDER 4C. Identifiers: Orphanet 3220, MedGen C4225267, OMIM 616617, MONDO:0014709.
PEX6-related disorder. Also called: PEX6-related condition; PEX6-related disorders.
Peroxisome biogenesis disorder. Identifiers: Orphanet 79189, MedGen C1832200, MONDO:0019234. Disease mechanism: loss of function.

Allele frequency attached by ClinVar (database versions not stated): 1000 Genomes Project 0.00120; 1000 Genomes Project 30x 0.00125; ExAC 0.00322; gnomAD exomes 0.00615 and 0.01206; TOPMed 0.00647; gnomAD 0.00651 and 0.00678.
gnomAD v4.1: 17,077 of 1,494,934 alleles (1.1%); highest among the groups gnomAD compares: Non-Finnish European, 1.4%; 124 homozygotes.

Submissions (13):

CeGaT Center for Human Genetics Tuebingen
Classification: Benign. Last evaluated: 2026-09-01. Review status: criteria provided, single submitter. Criteria: CeGaT Center For Human Genetics Tuebingen Variant Classification Criteria Version 2. Collection method: clinical testing. Allele origin: germline. Affected: yes. Observed: 31 variant alleles.
Comment: PEX6: BP4, BP7, BS1, BS2

Labcorp Genetics (formerly Invitae), Labcorp
Classification: Benign for Peroxisome biogenesis disorder. Last evaluated: 2026-02-04. Review status: criteria provided, single submitter. Criteria: Invitae Variant Classification Sherloc (09022015). Collection method: clinical testing. Allele origin: germline.

ARUP Laboratories, Molecular Genetics and Genomics, ARUP Laboratories
Classification: Benign. Last evaluated: 2025-03-13. Review status: criteria provided, single submitter. Criteria: ARUP Molecular Germline Variant Investigation Process 2024. Collection method: clinical testing. Allele origin: germline.

Fulgent Genetics
Classification: Likely benign for Peroxisome biogenesis disorder 4A (Zellweger); Peroxisome biogenesis disorder 4B; Heimler syndrome 2. Last evaluated: 2021-08-04. Review status: criteria provided, single submitter. Criteria: ACMG Guidelines, 2015. Collection method: clinical testing. Allele origin: unknown.

GeneDx
Classification: Likely benign. Last evaluated: 2019-04-12. Review status: criteria provided, single submitter. Criteria: GeneDx Variant Classification Process June 2021. Collection method: clinical testing. Allele origin: germline. Affected: yes.

Athena Diagnostics
Classification: Benign. Last evaluated: 2019-02-15. Review status: criteria provided, single submitter. Criteria: Athena Diagnostics Criteria. Collection method: clinical testing. Allele origin: germline.

Women's Health and Genetics/Laboratory Corporation of America, LabCorp
Classification: Benign. Last evaluated: 2018-04-27. Review status: criteria provided, single submitter. Criteria: LabCorp Variant Classification Summary - May 2015. Collection method: clinical testing. Allele origin: germline.
Comment: Variant summary: PEX6 c.210G>A alters a non-conserved nucleotide resulting in a synonymous change. 5/5 computational tools predict no significant impact on normal splicing. However, these predictions have yet to be confirmed by functional studies. The variant allele was found at a frequency of 0.0064 in 122756 control chromosomes in the gnomAD database, including 5 homozygotes. The observed variant frequency is approximately 3.28 fold of the estimated maximal expected allele frequency for a pathogenic variant in PEX6 causing Zellweger Syndrome phenotype (0.0019), strongly suggesting that the variant is benign. The variant, c.210G>A, has been reported in the literature in individuals affected with Zellweger Syndrome (Ebberink_2010, Yik_2009) but were classified as neutral. These report(s) do not provide unequivocal conclusions about association of the variant with Zellweger Syndrome . To our knowledge, no experimental evidence demonstrating an impact on protein function has been reported. One clinical diagnostic laboratory has submitted clinical-significance assessments for this variant to ClinVar after 2014 without evidence for independent evaluation and classified the variant as benign. Based on the evidence outlined above, the variant was classified as benign.

Illumina Laboratory Services, Illumina
Classification: Benign for Peroxisome biogenesis disorder 4A (Zellweger). Last evaluated: 2017-04-27. Review status: criteria provided, single submitter. Criteria: ICSL Variant Classification Criteria 13 December 2019. Collection method: clinical testing. Allele origin: germline.
Comment: This variant was observed as part of a predisposition screen in an ostensibly healthy population. A literature search was performed for the gene, cDNA change, and amino acid change (where applicable). Publications were found based on this search. The evidence from the literature, in combination with allele frequency data from public databases where available, was sufficient to rule this variant out of causing disease. Therefore, this variant is classified as benign.

Eurofins Ntd Llc (ga)
Classification: Benign. Last evaluated: 2016-06-19. Review status: criteria provided, single submitter. Criteria: EGL Classification Definitions 2015. Collection method: clinical testing. Allele origin: germline. Observed: 4 variant alleles, 4 heterozygotes.

Breakthrough Genomics
Classification: Likely benign. Review status: criteria provided, single submitter. Criteria: ACMG Guidelines, 2015. Collection method: not provided. Allele origin: germline. Inheritance: Autosomal recessive inheritance. Affected: yes.

Natera, Inc.
Classification: Benign for Zellweger syndrome. Last evaluated: 2020-09-16. Review status: no assertion criteria provided. Collection method: clinical testing. Allele origin: germline. Not counted in ClinVar's aggregate classification.

PreventionGenetics, part of Exact Sciences
Classification: Benign for PEX6-related condition. Last evaluated: 2019-11-14. Review status: no assertion criteria provided. Collection method: clinical testing. Allele origin: germline. Not counted in ClinVar's aggregate classification.
Comment: This variant is classified as benign based on ACMG/AMP sequence variant interpretation guidelines (Richards et al. 2015 PMID: 25741868, with internal and published modifications).

Mayo Clinic Laboratories, Mayo Clinic
Classification: Likely benign. Last evaluated: 2015-12-16. Review status: no assertion criteria provided. Collection method: clinical testing. Allele origin: unknown. Not counted in ClinVar's aggregate classification.

Literature cited by the submitters: PubMed 19877282 (cited by 4 submitters); PubMed 19105186 (cited by 4 submitters); PubMed 23757202 (cited by Illumina Laboratory Services, Illumina).

NM_000287.4(PEX6):c.210G>A (p.Gly70=)

Gene: PEX6 (peroxisomal biogenesis factor 6; minus strand). Cytogenetic location: 6p21.1.
Variant type: single nucleotide variant.
Coding change: c.210G>A on transcript NM_000287.4 (MANE Select); coding-DNA position 210, G replaced by A.
Protein change: p.Gly70=; no amino-acid change (glycine 70 retained).
Molecular consequence: synonymous variant. On other transcripts: non-coding transcript variant (1).
Genome position (GRCh38, 1-based): chr6:42,978,941, C>T on the plus strand (G>A on the coding strand, the complement: PEX6 is on the minus strand). VCF-style: chr6-42978941-C-T. GRCh37 (hg19) VCF-style: chr6-42946679-C-T.
Other names: c.210G>A, p.Gly70= (NM_001316313.2).
Identifiers: ClinVar variation 92783 (VCV000092783.61), dbSNP rs398123304, ClinGen allele CA220612.